The following is an entry in ClinVar:

ClinVar aggregate classification (germline): Uncertain significance. Review status: criteria provided, multiple submitters, no conflicts (2 of 4 stars). 2 submissions from 2 submitters: Uncertain significance (2). Last evaluated 2025-09-14.

Conditions:
Neurofibromatosis, type 1 (NF1). Also called: Peripheral type neurofibromatosis; Neurofibromatosis, type I; VON RECKLINGHAUSEN DISEASE; NEUROFIBROMATOSIS, TYPE I, SOMATIC. Identifiers: Orphanet 636, MedGen C0027831, MONDO:0018975, OMIM 162200. Disease mechanism: loss of function.
Hereditary cancer-predisposing syndrome. Also called: Neoplastic Syndromes, Hereditary; Hereditary neoplastic syndrome; Hereditary Cancer Syndrome; Tumor predisposition. Identifiers: Orphanet 140162, MedGen C0027672, MeSH D009386, MONDO:0015356.
Cardiovascular phenotype. Identifiers: MedGen CN230736.

Submissions (2):

Labcorp Genetics (formerly Invitae), Labcorp
Classification: Uncertain significance for Neurofibromatosis, type 1. Last evaluated: 2025-09-14. Review status: criteria provided, single submitter. Criteria: Invitae Variant Classification Sherloc (09022015). Collection method: clinical testing. Allele origin: germline.
Comment: This sequence change replaces valine, which is neutral and non-polar, with alanine, which is neutral and non-polar, at codon 1936 of the NF1 protein (p.Val1936Ala). This variant is not present in population databases (gnomAD no frequency). This variant has not been reported in the literature in individuals affected with NF1-related conditions. ClinVar contains an entry for this variant (Variation ID: 947647). Invitae Evidence Modeling of protein sequence and biophysical properties (such as structural, functional, and spatial information, amino acid conservation, physicochemical variation, residue mobility, and thermodynamic stability) indicates that this missense variant is not expected to disrupt NF1 protein function with a negative predictive value of 95%. In summary, the available evidence is currently insufficient to determine the role of this variant in disease. Therefore, it has been classified as a Variant of Uncertain Significance.

Ambry Genetics
Classification: Uncertain significance for Cardiovascular phenotype; Hereditary cancer-predisposing syndrome. Last evaluated: 2024-11-11. Review status: criteria provided, single submitter. Criteria: Ambry Variant Classification Scheme 2023. Collection method: clinical testing. Allele origin: germline.
Comment: The p.V1936A variant (also known as c.5807T>C), located in coding exon 39 of the NF1 gene, results from a T to C substitution at nucleotide position 5807. The valine at codon 1936 is replaced by alanine, an amino acid with similar properties. This amino acid position is conserved. In addition, the in silico prediction for this alteration is inconclusive. Based on the available evidence, the clinical significance of this variant remains unclear.

NM_001042492.3(NF1):c.5870T>C (p.Val1957Ala)

Gene: NF1 (neurofibromin 1; plus strand). Cytogenetic location: 17q11.2.
Variant type: single nucleotide variant.
Coding change: c.5870T>C on transcript NM_001042492.3 (MANE Select); coding-DNA position 5870, T replaced by C.
Protein change: p.Val1957Ala; replaces valine 1957 with alanine.
Molecular consequence: missense variant.
Genome position (GRCh38, 1-based): chr17:31,334,895, T>C. VCF-style: chr17-31334895-T-C. GRCh37 (hg19) VCF-style: chr17-29661913-T-C.
Other names: c.5807T>C, p.Val1936Ala (NM_000267.4); short protein forms V1936A, V1957A.
Identifiers: ClinVar variation 947647 (VCV000947647.7), dbSNP rs2069602993, ClinGen allele CA399010678.
Genomic context (GRCh38, chr17:31,334,895, plus strand): 5'-CAGGTATTGAATTGAAACACCTTTGTTTGGAATACATGACTCCATGGCTGTCAAATCTAG[T>C]TCGTTTTTGCAAGCATAATGATGATGCCAAACGACAAAGAGTTACTGCTATTCTTGACAA-3'
Protein context (NP_001035957.1, residues 1947-1967): EYMTPWLSNL[Val1957Ala]RFCKHNDDAK